The following is an entry in ClinVar:

NM_014249.4(NR2E3):c.791G>T (p.Gly264Val)

Gene: NR2E3 (nuclear receptor subfamily 2 group E member 3; plus strand). Cytogenetic location: 15q23.
Variant type: single nucleotide variant.
Coding change: c.791G>T on transcript NM_014249.4 (MANE Select); coding-DNA position 791, G replaced by T.
Protein change: p.Gly264Val; replaces glycine 264 with valine.
Molecular consequence: missense variant.
Genome position (GRCh38, 1-based): chr15:71,813,432, G>T. VCF-style: chr15-71813432-G-T. GRCh37 (hg19) VCF-style: chr15-72105772-G-T.
Other names: c.791G>T, p.Gly264Val (NM_016346.4); short protein forms G264V.
Identifiers: ClinVar variation 4765257 (VCV004765257.1).

ClinVar aggregate classification (germline): Uncertain significance (1 of 4 stars; one submission).

Submission:

Labcorp Genetics (formerly Invitae), Labcorp
Classification: Uncertain significance. Last evaluated: 2025-04-21. Review status: criteria provided, single submitter. Criteria: Invitae Variant Classification Sherloc (09022015). Collection method: clinical testing. Allele origin: germline.
Comment: This sequence change replaces glycine, which is neutral and non-polar, with valine, which is neutral and non-polar, at codon 264 of the NR2E3 protein (p.Gly264Val). This variant is not present in population databases (gnomAD no frequency). This variant has not been reported in the literature in individuals affected with NR2E3-related conditions. Invitae Evidence Modeling of protein sequence and biophysical properties (such as structural, functional, and spatial information, amino acid conservation, physicochemical variation, residue mobility, and thermodynamic stability) indicates that this missense variant is not expected to disrupt NR2E3 protein function with a negative predictive value of 80%. In summary, the available evidence is currently insufficient to determine the role of this variant in disease. Therefore, it has been classified as a Variant of Uncertain Significance.